The following is an entry in ClinVar:

ClinVar aggregate classification (germline): Likely benign. Review status: criteria provided, multiple submitters, no conflicts (2 of 4 stars). 3 submissions from 3 submitters: Likely benign (3). Last evaluated 2025-12-22.

Conditions:
Autosomal recessive limb-girdle muscular dystrophy type 2J (LGMDR10). Also called: Limb-girdle muscular dystrophy, type 2J; MUSCULAR DYSTROPHY, LIMB-GIRDLE, AUTOSOMAL RECESSIVE 10. Identifiers: Orphanet 140922, MedGen C1837342, MONDO:0012127, OMIM 608807.
Dilated cardiomyopathy 1G (CMD1G). Identifiers: Orphanet 154, MedGen C1858763, MONDO:0011400, OMIM 604145.

Allele frequency attached by ClinVar (database versions not stated): gnomAD 0.00001; TOPMed 0.00002.
gnomAD v4.1: 29 of 1,526,190 alleles (0.0019%); highest among the groups gnomAD compares: Non-Finnish European, 0.0025%; no homozygotes.

Submissions (3):

Labcorp Genetics (formerly Invitae), Labcorp
Classification: Likely benign for Dilated cardiomyopathy 1G; Autosomal recessive limb-girdle muscular dystrophy type 2J. Last evaluated: 2025-12-22. Review status: criteria provided, single submitter. Criteria: Invitae Variant Classification Sherloc (09022015). Collection method: clinical testing. Allele origin: germline.

Blueprint Genetics
Classification: Likely benign. Last evaluated: 2024-03-20. Review status: criteria provided, single submitter. Criteria: ACMG Guidelines, 2015. Collection method: clinical testing. Allele origin: germline.

GeneDx
Classification: Likely benign. Last evaluated: 2016-09-08. Review status: criteria provided, single submitter. Criteria: GeneDx Variant Classification (06012015). Collection method: clinical testing. Allele origin: germline. Affected: yes.
Comment: This variant is considered likely benign or benign based on one or more of the following criteria: it is a conservative change, it occurs at a poorly conserved position in the protein, it is predicted to be benign by multiple in silico algorithms, and/or has population frequency not consistent with disease.

NM_001267550.2(TTN):c.31271-13A>T

Gene: TTN (titin; minus strand). Cytogenetic location: 2q31.2.
Variant type: single nucleotide variant.
Coding change: c.31271-13A>T on transcript NM_001267550.2 (MANE Select); 13 bases into the intron before coding-DNA position 31271, A replaced by T.
Molecular consequence: intron variant.
Genome position (GRCh38, 1-based): chr2:178,694,919, T>A on the plus strand (A>T on the coding strand, the complement: TTN is on the minus strand). VCF-style: chr2-178694919-T-A. GRCh37 (hg19) VCF-style: chr2-179559646-T-A.
Other names: c.13282+43163A>T (NM_003319.4); c.13858+43163A>T (NM_133437.4); c.13657+43163A>T (NM_133432.3); c.27539-13A>T (NM_133378.4); c.30320-13A>T (NM_001256850.1).
Identifiers: ClinVar variation 389263 (VCV000389263.10), dbSNP rs1057523378, ClinGen allele CA16604031.